The following is an entry in ClinVar:

ClinVar aggregate classification (germline): Pathogenic (1 of 4 stars; one submission).

Submission:

GeneDx
Classification: Pathogenic. Last evaluated: 2019-10-18. Review status: criteria provided, single submitter. Criteria: GeneDx Variant Classification Process June 2021. Collection method: clinical testing. Allele origin: germline. Affected: yes.
Comment: Has not been previously published as pathogenic or benign to our knowledge; Located in the highly conserved Gly-X-Y repeat of the collagenous domain; Glycine substitution variants in this region of the COLVII protein destabilize the collagen triple helix resulting in skin fragility due to poor anchoring of the basement membrane to the underlying dermis (Pfendner and Lucky, 2018); Missense variant at this same codon (G1758R) was previously reported in the homozygous state in an individual with autosomal recessive DEB (Vahidnezhad et al., 2017); Not observed in large population cohorts (Lek et al., 2016); In silico analysis, which includes protein predictors and evolutionary conservation, supports a deleterious effect

NM_000094.4(COL7A1):c.5273G>T (p.Gly1758Val)

Gene: COL7A1 (collagen type VII alpha 1 chain; minus strand). Cytogenetic location: 3p21.31.
Variant type: single nucleotide variant.
Coding change: c.5273G>T on transcript NM_000094.4 (MANE Select); coding-DNA position 5273, G replaced by T.
Protein change: p.Gly1758Val; replaces glycine 1758 with valine.
Molecular consequence: missense variant.
Genome position (GRCh38, 1-based): chr3:48,579,403, C>A on the plus strand (G>T on the coding strand, the complement: COL7A1 is on the minus strand). VCF-style: chr3-48579403-C-A. GRCh37 (hg19) VCF-style: chr3-48616836-C-A.
Other names: short protein forms G1758V.
Identifiers: ClinVar variation 452096 (VCV000452096.2), dbSNP rs1553857986, ClinGen allele CA352676465.